The following is an entry in ClinVar:

ClinVar aggregate classification (germline): Uncertain significance (1 of 4 stars; one submission).

Allele frequency attached by ClinVar (database versions not stated): gnomAD exomes below 0.00001; ExAC 0.00001; gnomAD 0.00001; 1000 Genomes Project 30x 0.00016; 1000 Genomes Project 0.00020.
gnomAD v4.1: 1 of 1,613,248 alleles (0.000062%); highest among the groups gnomAD compares: African/African-American, 0.0013%; no homozygotes.

Submission:

GeneDx
Classification: Uncertain significance. Last evaluated: 2016-08-25. Review status: criteria provided, single submitter. Criteria: GeneDx Variant Classification (06012015). Collection method: clinical testing. Allele origin: germline. Affected: yes.
Comment: The L410P variant in the CNTN2 gene has not been reported previously as a pathogenic variant, nor as a benign variant, to our knowledge. The L410P variant was not observed in approximately 6500 individuals of European and African American ancestry in the NHLBI Exome Sequencing Project, indicating it is not a common benign variant in these populations. The L410P variant is a semi-conservative amino acid substitution, which may impact secondary protein structure as these residues differ in some properties. This substitution occurs at a position that is conserved across species. In silico analysis predicts this variant is probably damaging to the protein structure/function. We interpret L410P as a variant of uncertain significance.

NM_005076.5(CNTN2):c.1229T>C (p.Leu410Pro)

Gene: CNTN2 (contactin 2; plus strand). Cytogenetic location: 1q32.1.
Variant type: single nucleotide variant.
Coding change: c.1229T>C on transcript NM_005076.5 (MANE Select); coding-DNA position 1229, T replaced by C.
Protein change: p.Leu410Pro; replaces leucine 410 with proline.
Molecular consequence: missense variant. On other transcripts: non-coding transcript variant (1).
Genome position (GRCh38, 1-based): chr1:205,062,558, T>C. VCF-style: chr1-205062558-T-C. GRCh37 (hg19) VCF-style: chr1-205031686-T-C.
Other names: c.1229T>C, p.Leu410Pro (NM_001346083.2); short protein forms L410P.
Identifiers: ClinVar variation 422020 (VCV000422020.2), dbSNP rs183284269, ClinGen allele CA1351307.
Genomic context (GRCh38, chr1:205,062,558, plus strand): 5'-CGGGCATGTACCAGTGTGTGGCAGAGAATAAGCACGGTACCATCTACGCCAGCGCCGAGC[T>C]AGCCGTGCAAGGTAAGGGGCCCAGGGAGGCAGGGGACATCCCAAGGACATGCATATGGTG-3'
Protein context (NP_005067.1, residues 400-420): KHGTIYASAE[Leu410Pro]AVQALAPDFR